The following is an entry in ClinVar:

NM_005159.5(ACTC1):c.919A>C (p.Met307Leu)

Genes: ACTC1 (actin alpha cardiac muscle 1; minus strand), GJD2-DT (GJD2 divergent transcript; plus strand). Cytogenetic location: 15q14.
Variant type: single nucleotide variant.
Coding change: c.919A>C on transcript NM_005159.5 (MANE Select); coding-DNA position 919, A replaced by C.
Protein change: p.Met307Leu; replaces methionine 307 with leucine.
Molecular consequence: missense variant.
Genome position (GRCh38, 1-based): chr15:34,791,185, T>G on the plus strand (A>C on the coding strand, the complement: ACTC1 is on the minus strand). VCF-style: chr15-34791185-T-G. GRCh37 (hg19) VCF-style: chr15-35083386-T-G.
Other names: short protein forms M307L.
Identifiers: ClinVar variation 4813130 (VCV004813130.1), dbSNP rs2140429593.

ClinVar aggregate classification (germline): Uncertain significance (1 of 4 stars; one submission).

Conditions:
Hypertrophic cardiomyopathy 11. Also called: ACTC1-Related Familial Hypertrophic Cardiomyopathy. Identifiers: MedGen C2677506, MONDO:0012799, OMIM 612098.

gnomAD v4.1: 1 of 1,614,120 alleles (0.000062%); highest among the groups gnomAD compares: Non-Finnish European, 0.000085%; no homozygotes.

Submission:

Institute of Medical Genetics and Applied Genomics, University Hospital Tübingen
Classification: Uncertain significance for Hypertrophic cardiomyopathy 11. Last evaluated: 2026-03-09. Review status: criteria provided, single submitter. Criteria: ACMG Guidelines, 2015. Collection method: clinical testing. Allele origin: germline. Inheritance: Autosomal dominant inheritance. Affected: yes.